The following is an entry in ClinVar:

ClinVar aggregate classification (germline): Benign/Likely benign. Review status: criteria provided, multiple submitters, no conflicts (2 of 4 stars). 5 submissions from 5 submitters: Benign (1); Likely benign (4). Last evaluated 2025-07-09.

Conditions:
Hereditary nonpolyposis colorectal neoplasms. Identifiers: MedGen C0009405, MeSH D003123.
Hereditary cancer-predisposing syndrome. Also called: Neoplastic Syndromes, Hereditary; Tumor predisposition; Hereditary Cancer Syndrome; Hereditary neoplastic syndrome. Identifiers: Orphanet 140162, MedGen C0027672, MeSH D009386, MONDO:0015356.
Lynch syndrome 4 (LYNCH4). Also called: Colorectal cancer, hereditary nonpolyposis, type 4; Hereditary non-polyposis colorectal cancer, type 4. Identifiers: Orphanet 144, MedGen C1838333, MONDO:0013699, OMIM 614337. Disease mechanism: loss of function.

Allele frequency attached by ClinVar (database versions not stated): gnomAD exomes below 0.00001; ExAC 0.00001; gnomAD 0.00001.

Submissions (5):

Labcorp Genetics (formerly Invitae), Labcorp
Classification: Likely benign for Hereditary nonpolyposis colorectal neoplasms. Last evaluated: 2025-07-09. Review status: criteria provided, single submitter. Criteria: Invitae Variant Classification Sherloc (09022015). Collection method: clinical testing. Allele origin: germline.

Myriad Genetics, Inc.
Classification: Benign for Lynch syndrome 4. Last evaluated: 2025-01-31. Review status: criteria provided, single submitter. Criteria: Myriad Autosomal Dominant, Autosomal Recessive and X-Linked Classification Criteria (2023). Collection method: clinical testing. Allele origin: unknown.
Comment: This variant is considered benign. This variant is a silent/synonymous amino acid change and it is not expected to impact splicing.

KCCC/NGS Laboratory, Kuwait Cancer Control Center
Classification: Likely benign for Lynch syndrome 4. Last evaluated: 2023-07-07. Review status: criteria provided, single submitter. Criteria: ACMG Guidelines, 2015. Collection method: clinical testing. Allele origin: germline. Affected: yes.

Color Diagnostics, LLC DBA Color Health
Classification: Likely benign for Hereditary cancer-predisposing syndrome. Last evaluated: 2019-11-06. Review status: criteria provided, single submitter. Criteria: ACMG Guidelines, 2015. Collection method: clinical testing. Allele origin: germline.

Ambry Genetics
Classification: Likely benign for Hereditary cancer-predisposing syndrome. Last evaluated: 2015-05-19. Review status: criteria provided, single submitter. Criteria: Ambry Variant Classification Scheme 2023. Collection method: clinical testing. Allele origin: germline.

NM_000535.7(PMS2):c.1926A>G (p.Glu642=)

Gene: PMS2 (PMS1 homolog 2, mismatch repair system component; minus strand). Cytogenetic location: 7p22.1.
Variant type: single nucleotide variant.
Coding change: c.1926A>G on transcript NM_000535.7 (MANE Select); coding-DNA position 1926, A replaced by G.
Protein change: p.Glu642=; no amino-acid change (glutamic acid 642 retained).
Molecular consequence: synonymous variant. On other transcripts: non-coding transcript variant (1).
Genome position (GRCh38, 1-based): chr7:5,986,839, T>C on the plus strand (A>G on the coding strand, the complement: PMS2 is on the minus strand). VCF-style: chr7-5986839-T-C. GRCh37 (hg19) VCF-style: chr7-6026470-T-C.
Other names: c.1521A>G, p.Glu507= (NM_001322003.2, NM_001322004.2, NM_001322005.2 and 1 more transcripts); c.1770A>G, p.Glu590= (NM_001322006.2); c.1608A>G, p.Glu536= (NM_001322007.2, NM_001322008.2); c.1365A>G, p.Glu455= (NM_001322010.2); c.993A>G, p.Glu331= (NM_001322011.2, NM_001322012.2); c.1353A>G, p.Glu451= (NM_001322013.2); c.1926A>G, p.Glu642= (NM_001322014.2); c.1617A>G, p.Glu539= (NM_001322015.2).
Identifiers: ClinVar variation 231665 (VCV000231665.16), dbSNP rs765262682, ClinGen allele CA045871.